The following is an entry in ClinVar:

ClinVar aggregate classification (germline): Uncertain significance (1 of 4 stars; one submission).

Conditions:
Emery-Dreifuss muscular dystrophy (EDMD). Also called: Scapuloperoneal syndrome, X-linked (formerly); Humeroperoneal neuromuscular disease, (formerly). Identifiers: Orphanet 261, MedGen C0410189, MONDO:0016830.

Allele frequency attached by ClinVar (database versions not stated): gnomAD exomes below 0.00001.
gnomAD v4.1: 3 of 1,614,176 alleles (0.00019%); highest among the groups gnomAD compares: Admixed American, 0.0033%; no homozygotes.

Submission:

Labcorp Genetics (formerly Invitae), Labcorp
Classification: Uncertain significance for Emery-Dreifuss muscular dystrophy. Last evaluated: 2024-01-19. Review status: criteria provided, single submitter. Criteria: Invitae Variant Classification Sherloc (09022015). Collection method: clinical testing. Allele origin: germline.
Comment: This sequence change replaces valine, which is neutral and non-polar, with methionine, which is neutral and non-polar, at codon 517 of the SUN1 protein (p.Val517Met). This variant is present in population databases (no rsID available, gnomAD 0.006%). This variant has not been reported in the literature in individuals affected with SUN1-related conditions. ClinVar contains an entry for this variant (Variation ID: 2156554). An algorithm developed to predict the effect of missense changes on protein structure and function (PolyPhen-2) suggests that this variant is likely to be disruptive. In summary, the available evidence is currently insufficient to determine the role of this variant in disease. Therefore, it has been classified as a Variant of Uncertain Significance.

NM_001130965.3(SUN1):c.1549G>A (p.Val517Met)

Gene: SUN1 (Sad1 and UNC84 domain containing 1; plus strand). Cytogenetic location: 7p22.3.
Variant type: single nucleotide variant.
Coding change: c.1549G>A on transcript NM_001130965.3 (MANE Select); coding-DNA position 1549, G replaced by A.
Protein change: p.Val517Met; replaces valine 517 with methionine.
Molecular consequence: missense variant. On other transcripts: non-coding transcript variant (3).
Genome position (GRCh38, 1-based): chr7:860,152, G>A. VCF-style: chr7-860152-G-A. GRCh37 (hg19) VCF-style: chr7-899789-G-A.
Other names: c.1549G>A, p.Val517Met (NM_001367653.1, NM_001367633.1, NM_001367634.1); c.1759G>A, p.Val587Met (NM_001367655.1, NM_001367700.1); c.835G>A, p.Val279Met (NM_001367658.1); c.1366G>A, p.Val456Met (NM_001367660.1); c.1396G>A, p.Val466Met (NM_001367662.1, NM_001367671.1); c.1660G>A, p.Val554Met (NM_001367664.1, NM_001367685.1); c.1546G>A, p.Val516Met (NM_001367665.1, NM_001367694.1); c.1792G>A, p.Val598Met (NM_001367666.1); and 43 more; short protein forms V466M, V491M, V506M, V545M, V560M, V577M, V597M, V620M.
Identifiers: ClinVar variation 2156554 (VCV002156554.4), dbSNP rs1395348185, ClinGen allele CA366533454.